The following is an entry in ClinVar:

NM_016103.4(SAR1B):c.160G>T (p.Val54Phe)

Gene: SAR1B (secretion associated Ras related GTPase 1B; minus strand). Cytogenetic location: 5q31.1.
Variant type: single nucleotide variant.
Coding change: c.160G>T on transcript NM_016103.4 (MANE Select); coding-DNA position 160, G replaced by T.
Protein change: p.Val54Phe; replaces valine 54 with phenylalanine.
Molecular consequence: missense variant.
Genome position (GRCh38, 1-based): chr5:134,620,951, C>A on the plus strand (G>T on the coding strand, the complement: SAR1B is on the minus strand). VCF-style: chr5-134620951-C-A. GRCh37 (hg19) VCF-style: chr5-133956641-C-A.
Other names: c.160G>T, p.Val54Phe (NM_001033503.3); short protein forms V54F.
Identifiers: ClinVar variation 2180299 (VCV002180299.1), dbSNP rs772285611, ClinGen allele CA3414548.

ClinVar aggregate classification (germline): Uncertain significance (1 of 4 stars; one submission).

Allele frequency attached by ClinVar (database versions not stated): gnomAD 0.00001; TOPMed 0.00001; ExAC 0.00003.
gnomAD v4.1: 103 of 1,613,718 alleles (0.0064%); highest among the groups gnomAD compares: Non-Finnish European, 0.0086%; no homozygotes.

Submission:

Labcorp Genetics (formerly Invitae), Labcorp
Classification: Uncertain significance. Last evaluated: 2022-05-30. Review status: criteria provided, single submitter. Criteria: Invitae Variant Classification Sherloc (09022015). Collection method: clinical testing. Allele origin: germline.
Comment: This sequence change replaces valine, which is neutral and non-polar, with phenylalanine, which is neutral and non-polar, at codon 54 of the SAR1B protein (p.Val54Phe). This variant is present in population databases (rs772285611, gnomAD 0.02%). This missense change has been observed in individual(s) with a lipid metabolism disorder (PMID: 32041611). Algorithms developed to predict the effect of missense changes on protein structure and function are either unavailable or do not agree on the potential impact of this missense change (SIFT: "Deleterious"; PolyPhen-2: "Benign"; Align-GVGD: "Class C0"). In summary, the available evidence is currently insufficient to determine the role of this variant in disease. Therefore, it has been classified as a Variant of Uncertain Significance.

Literature cited by the submitters: PubMed 32041611.